The following is an entry in ClinVar:

NM_001348716.2(KDM6B):c.2763C>T (p.Cys921=)

Gene: KDM6B (lysine demethylase 6B; plus strand). Cytogenetic location: 17p13.1.
Variant type: single nucleotide variant.
Coding change: c.2763C>T on transcript NM_001348716.2 (MANE Select); coding-DNA position 2763, C replaced by T.
Protein change: p.Cys921=; no amino-acid change (cysteine 921 retained).
Molecular consequence: synonymous variant.
Genome position (GRCh38, 1-based): chr17:7,849,051, C>T. VCF-style: chr17-7849051-C-T. GRCh37 (hg19) VCF-style: chr17-7752369-C-T.
Other names: c.2763C>T, p.Cys921= (NM_001080424.2).
Identifiers: ClinVar variation 3032223 (VCV003032223.22), dbSNP rs373661216, ClinGen allele CA8361001.

ClinVar aggregate classification (germline): Likely benign. Review status: criteria provided, single submitter (1 of 4 stars). 2 submissions from 2 submitters: Likely benign (1). 1 of the submissions does not count toward it. Last evaluated 2024-03-01.

Conditions:
KDM6B-related disorder. Also called: KDM6B-related condition.

Allele frequency attached by ClinVar (database versions not stated): ExAC 0.00004; gnomAD 0.00006; TOPMed 0.00006; gnomAD exomes 0.00007; ESP Exome Variant Server 0.00008; 1000 Genomes Project 30x 0.00016.

Submissions (2):

CeGaT Center for Human Genetics Tuebingen
Classification: Likely benign. Last evaluated: 2024-03-01. Review status: criteria provided, single submitter. Criteria: CeGaT Center For Human Genetics Tuebingen Variant Classification Criteria Version 2. Collection method: clinical testing. Allele origin: germline. Affected: yes. Observed: 1 variant allele.
Comment: KDM6B: BP4, BP7

PreventionGenetics, part of Exact Sciences
Classification: Likely benign for KDM6B-related condition. Last evaluated: 2023-01-25. Review status: no assertion criteria provided. Collection method: clinical testing. Allele origin: germline. Not counted in ClinVar's aggregate classification.
Comment: This variant is classified as likely benign based on ACMG/AMP sequence variant interpretation guidelines (Richards et al. 2015 PMID: 25741868, with internal and published modifications).